The following is an entry in ClinVar:

ClinVar aggregate classification (germline): not provided (0 of 4 stars; one submission).

Allele frequency attached by ClinVar (database versions not stated): gnomAD 0.00001.
gnomAD v4.1: 1 of 1,609,212 alleles (0.000062%); highest among the groups gnomAD compares: Non-Finnish European, 0.000085%; no homozygotes.

Submission:

Human Evolutionary Genetics, Institut Pasteur
No classification provided. Review status: no classification provided. Collection method: not provided. Allele origin: germline.
ClinVar note: Converted during submission from untested to not provided.

NM_178844.4(NLRC3):c.2016-3C>T

Gene: NLRC3 (NLR family CARD domain containing 3; minus strand). Cytogenetic location: 16p13.3.
Variant type: single nucleotide variant.
Coding change: c.2016-3C>T on transcript NM_178844.4 (MANE Select); 3 bases into the intron before coding-DNA position 2016, C replaced by T.
Molecular consequence: intron variant.
Genome position (GRCh38, 1-based): chr16:3,557,679, G>A on the plus strand (C>T on the coding strand, the complement: NLRC3 is on the minus strand). VCF-style: chr16-3557679-G-A. GRCh37 (hg19) VCF-style: chr16-3607680-G-A.
Identifiers: ClinVar variation 103364 (VCV000103364.2), dbSNP rs199476280, ClinGen allele CA230477.
Genomic context (GRCh38, chr16:3,557,679, plus strand): 5'-CAAGAGGGATCTGGCCAGAGCTTTGGCCCCTTTGTTACTGATCTGGTTCTCCGCCAAGCT[G>A]CCCAAGGAAAGGGAGAGGAGTGGTTATTTTAGGCATGCACATCTCATGGCCTCTTCCTCA-3'